The following is an entry in ClinVar:

ClinVar aggregate classification (germline): Uncertain significance (1 of 4 stars; one submission).

Conditions:
Neuropathy, hereditary sensory and autonomic, type 2A (HSAN2A). Also called: ACROOSTEOLYSIS, GIACCAI TYPE; ACROOSTEOLYSIS, NEUROGENIC; MORVAN DISEASE; NEUROPATHY, CONGENITAL SENSORY; NEUROPATHY, HEREDITARY SENSORY RADICULAR, AUTOSOMAL RECESSIVE; NEUROPATHY, HEREDITARY SENSORY, TYPE IIA. Identifiers: Orphanet 970, MedGen C2752089, MONDO:0024309, OMIM 201300.
Generalized epilepsy with febrile seizures plus, type 7 (GEFSP7). Also called: GEFS+, TYPE 7. Identifiers: Orphanet 36387, MedGen C2751778, MONDO:0013470, OMIM 613863.

gnomAD v4.1: 1 of 1,613,976 alleles (0.000062%); no homozygotes.

Submission:

Labcorp Genetics (formerly Invitae), Labcorp
Classification: Uncertain significance for Neuropathy, hereditary sensory and autonomic, type 2A; Generalized epilepsy with febrile seizures plus, type 7. Last evaluated: 2025-09-03. Review status: criteria provided, single submitter. Criteria: Invitae Variant Classification Sherloc (09022015). Collection method: clinical testing. Allele origin: germline.
Comment: This sequence change replaces valine, which is neutral and non-polar, with leucine, which is neutral and non-polar, at codon 852 of the SCN9A protein (p.Val852Leu). This variant is not present in population databases (gnomAD no frequency). This variant has not been reported in the literature in individuals affected with SCN9A-related conditions. Invitae Evidence Modeling of protein sequence and biophysical properties (such as structural, functional, and spatial information, amino acid conservation, physicochemical variation, residue mobility, and thermodynamic stability) indicates that this missense variant is not expected to disrupt SCN9A protein function with a negative predictive value of 95%. In summary, the available evidence is currently insufficient to determine the role of this variant in disease. Therefore, it has been classified as a Variant of Uncertain Significance.

NM_001365536.1(SCN9A):c.2587G>C (p.Val863Leu)

Genes: SCN9A (sodium voltage-gated channel alpha subunit 9; minus strand), SCN1A-AS1 (SCN1A and SCN9A antisense RNA 1; plus strand). Cytogenetic location: 2q24.3.
Variant type: single nucleotide variant.
Coding change: c.2587G>C on transcript NM_001365536.1 (MANE Select); coding-DNA position 2587, G replaced by C.
Protein change: p.Val863Leu; replaces valine 863 with leucine.
Molecular consequence: missense variant.
Genome position (GRCh38, 1-based): chr2:166,277,270, C>G on the plus strand (G>C on the coding strand, the complement: SCN9A is on the minus strand). VCF-style: chr2-166277270-C-G. GRCh37 (hg19) VCF-style: chr2-167133780-C-G.
Other names: c.2554G>C, p.Val852Leu (NM_002977.4); short protein forms V852L, V863L.
Identifiers: ClinVar variation 4787676 (VCV004787676.1).
Genomic context (GRCh38, chr2:166,277,270, plus strand): 5'-CCACAGCAAAAATGAAGACGATGATGGCCAACACTAAGGTGAGGTTACCTAGAGCCCCTA[C>G]TGAGTTACCAATGATCTTAATCAGCATGTTCAATGTTGGCCAGGATTTTGCCAACTTGAA-3'
Protein context (NP_001352465.1, residues 853-873): NMLIKIIGNS[Val863Leu]GALGNLTLVL